The following is an entry in ClinVar:

ClinVar aggregate classification (germline): Uncertain significance (1 of 4 stars; one submission).

Conditions:
Epidermolysis bullosa simplex 3, localized or generalized intermediate, with BP230 deficiency (EBS3). Also called: Epidermolysis bullosa simplex due to BP230 deficiency; Epidermolysis bullosa simplex, autosomal recessive 2. Identifiers: Orphanet 412181, MedGen C3809470, MONDO:0014180, OMIM 615425.
Hereditary sensory and autonomic neuropathy type 6. Also called: HSAN VI; Neuropathy, hereditary sensory and autonomic, type VI. Identifiers: Orphanet 314381, MedGen C3539003, MONDO:0013839, OMIM 614653.

Submission:

Labcorp Genetics (formerly Invitae), Labcorp
Classification: Uncertain significance for Epidermolysis bullosa simplex 3, localized or generalized intermediate, with BP230 deficiency; Hereditary sensory and autonomic neuropathy type 6. Last evaluated: 2020-02-18. Review status: criteria provided, single submitter. Criteria: Invitae Variant Classification Sherloc (09022015). Collection method: clinical testing. Allele origin: germline.
Comment: In summary, the available evidence is currently insufficient to determine the role of this variant in disease. Therefore, it has been classified as a Variant of Uncertain Significance. This sequence change replaces alanine with glycine at codon 1704 of the DST protein (p.Ala1704Gly). The alanine residue is moderately conserved and there is a small physicochemical difference between the two amino acids. The DST gene has multiple clinically relevant transcripts. This variant occurs in alternate transcript NM_015548.4, and corresponds to NM_001723.5:c.*36656C>G in the primary transcript. This variant is not present in population databases (ExAC no frequency). This variant has not been reported in the literature in individuals with DST-related conditions. Experimental studies and prediction algorithms are not available or were not evaluated, and the functional significance of this variant is currently unknown.

NM_001374736.1(DST):c.12980C>G (p.Ala4327Gly)

Gene: DST (dystonin; minus strand). Cytogenetic location: 6p12.1.
Variant type: single nucleotide variant.
Coding change: c.12980C>G on transcript NM_001374736.1 (MANE Select); coding-DNA position 12980, C replaced by G.
Protein change: p.Ala4327Gly; replaces alanine 4327 with glycine.
Molecular consequence: missense variant.
Genome position (GRCh38, 1-based): chr6:56,578,861, G>C on the plus strand (C>G on the coding strand, the complement: DST is on the minus strand). VCF-style: chr6-56578861-G-C. GRCh37 (hg19) VCF-style: chr6-56443659-G-C.
Other names: c.6623C>G, p.Ala2208Gly (NM_001144769.5); c.6209C>G, p.Ala2070Gly (NM_001144770.2); c.12980C>G, p.Ala4327Gly (NM_001374722.1); c.12347C>G, p.Ala4116Gly (NM_001374729.1); c.6089C>G, p.Ala2030Gly (NM_001374730.1, NM_001386100.1, NM_183380.4); c.13007C>G, p.Ala4336Gly (NM_001374734.1); c.5111C>G, p.Ala1704Gly (NM_015548.5); short protein forms A4116G, A2030G, A2070G, A2208G, A4327G, A4336G, A1704G.
Identifiers: ClinVar variation 1035769 (VCV001035769.7), dbSNP rs2097915078, ClinGen allele CA364521032.